The following is an entry in ClinVar:

ClinVar aggregate classification (germline): Uncertain significance (1 of 4 stars; one submission).

Conditions:
MC3R-related disorder. Also called: MC3R-related condition.

Submission:

PreventionGenetics, part of Exact Sciences
Classification: Uncertain significance for MC3R-related condition. Last evaluated: 2025-08-05. Review status: criteria provided, single submitter. Criteria: ACMG Guidelines, 2015. Collection method: clinical testing. Allele origin: germline.
Comment: The MC3R c.329A>G variant is predicted to result in the amino acid substitution p.Asp110Gly. To our knowledge, this variant has not been reported in the literature or in a large population database, indicating this variant is rare. At this time, the clinical significance of this variant is uncertain due to the absence of conclusive functional and genetic evidence.

NM_019888.3(MC3R):c.329A>G (p.Asp110Gly)

Gene: MC3R (melanocortin 3 receptor; plus strand). Cytogenetic location: 20q13.2.
Variant type: single nucleotide variant.
Coding change: c.329A>G on transcript NM_019888.3 (MANE Select); coding-DNA position 329, A replaced by G.
Protein change: p.Asp110Gly; replaces aspartic acid 110 with glycine.
Molecular consequence: missense variant.
Genome position (GRCh38, 1-based): chr20:56,249,172, A>G. VCF-style: chr20-56249172-A-G. GRCh37 (hg19) VCF-style: chr20-54824228-A-G.
Other names: short protein forms D110G.
Identifiers: ClinVar variation 4986716 (VCV004986716.1).